The following is an entry in ClinVar:

ClinVar aggregate classification (germline): Uncertain significance (1 of 4 stars; one submission).

Conditions:
H19-related disorder. Also called: H19-related condition.

Submission:

PreventionGenetics, part of Exact Sciences
Classification: Uncertain significance for H19-related condition. Last evaluated: 2026-03-10. Review status: criteria provided, single submitter. Criteria: ACMG Guidelines, 2015. Collection method: clinical testing. Allele origin: germline.
Comment: The H19 n.-2910C>T variant is predicted to interfere with splicing. This variant resides in the 5' promoter of H19. To our knowledge, this variant has not been reported in the literature. This variant is reported in 0.046% of alleles in individuals of African descent in gnomAD. H19 promoter variants have been associated with Silver-Russel syndrome and Beckwith-Wiedemann syndrome (see for example, Demars et al. 2010. PubMed ID: 20007505); however, no examples occur in the immediate vicinity of this variant. At this time, the clinical significance of this variant is uncertain due to the absence of conclusive functional and genetic evidence.

NC_000011.10:g.2000785G>A

Genes: H19 (H19 imprinted maternally expressed transcript; minus strand), H19-ICR (H19/IGF2 imprinting control region; plus strand), MRPL23 (mitochondrial ribosomal protein L23; plus strand). Cytogenetic location: 11p15.5.
Variant type: single nucleotide variant.
Molecular consequence: intron variant (on NM_001400176.1).
Genome position: GRCh38 VCF-style: chr11-2000785-G-A. GRCh37 (hg19) VCF-style: chr11-2022015-G-A.
Other names: c.498-10756G>A (NM_001400176.1).
Identifiers: ClinVar variation 4985644 (VCV004985644.1).
Genomic context (GRCh38, chr11:2,000,785, plus strand): 5'-TTCCGCGGGCGAACCCCAGCTGGGGCGGGCTCGGGCTGTGATGTGTGAGCCTGCACTGCC[G>A]CCACGCGGCCACTTCCGATTCCACAGCTACAACCAATTCTGCACCATCCGGGTGGTGAGA-3'